The following is an entry in ClinVar:

ClinVar aggregate classification (germline): Conflicting classifications of pathogenicity. Review status: criteria provided, conflicting classifications (1 of 4 stars). 4 submissions from 4 submitters: Uncertain significance (1); Benign (1). 2 of the submissions do not count toward it. Last evaluated 2026-01-28.

Conditions:
Epidermolysis bullosa dystrophica. Also called: Dystrophic epidermolysis bullosa, Hallopeau-Siemens type (formerly); Dystrophic epidermolysis bullosa. Identifiers: Orphanet 303, MedGen C0079294, MONDO:0006543.
Epidermolysis bullosa dystrophica inversa, autosomal recessive. Identifiers: MedGen C2673612.
COL7A1-related disorder. Also called: COL7A1-related condition; COL7A1- related disorders.

Allele frequency attached by ClinVar (database versions not stated): ESP Exome Variant Server 0.00008; TOPMed 0.00046; gnomAD 0.00057; 1000 Genomes Project 0.00120; 1000 Genomes Project 30x 0.00125.
gnomAD v4.1: 263 of 1,613,842 alleles (0.016%); highest among the groups gnomAD compares: East Asian, 0.5%; 2 homozygotes.

Submissions (4):

Labcorp Genetics (formerly Invitae), Labcorp
Classification: Benign. Last evaluated: 2026-01-28. Review status: criteria provided, single submitter. Criteria: Invitae Variant Classification Sherloc (09022015). Collection method: clinical testing. Allele origin: germline.

Illumina Laboratory Services, Illumina
Classification: Uncertain significance for Dystrophic epidermolysis bullosa. Last evaluated: 2018-01-15. Review status: criteria provided, single submitter. Criteria: ICSL Variant Classification Criteria 13 December 2019. Collection method: clinical testing. Allele origin: germline.

Natera, Inc.
Classification: Benign for Autosomal recessive epidermolysis bullosa dystrophica inversa. Last evaluated: 2020-09-16. Review status: no assertion criteria provided. Collection method: clinical testing. Allele origin: germline. Not counted in ClinVar's aggregate classification.

PreventionGenetics, part of Exact Sciences
Classification: Benign for COL7A1-related condition. Last evaluated: 2019-08-09. Review status: no assertion criteria provided. Collection method: clinical testing. Allele origin: germline. Not counted in ClinVar's aggregate classification.
Comment: This variant is classified as benign based on ACMG/AMP sequence variant interpretation guidelines (Richards et al. 2015 PMID: 25741868, with internal and published modifications).

NM_000094.4(COL7A1):c.5343C>T (p.Ser1781=)

Gene: COL7A1 (collagen type VII alpha 1 chain; minus strand). Cytogenetic location: 3p21.31.
Variant type: single nucleotide variant.
Coding change: c.5343C>T on transcript NM_000094.4 (MANE Select); coding-DNA position 5343, C replaced by T.
Protein change: p.Ser1781=; no amino-acid change (serine 1781 retained).
Molecular consequence: synonymous variant.
Genome position (GRCh38, 1-based): chr3:48,579,242, G>A on the plus strand (C>T on the coding strand, the complement: COL7A1 is on the minus strand). VCF-style: chr3-48579242-G-A. GRCh37 (hg19) VCF-style: chr3-48616675-G-A.
Identifiers: ClinVar variation 764273 (VCV000764273.16), dbSNP rs147919436, ClinGen allele CA2379551.